The following is an entry in ClinVar:

NM_017617.5(NOTCH1):c.4740G>A (p.Met1580Ile)

Gene: NOTCH1 (notch receptor 1; minus strand). Cytogenetic location: 9q34.3.
Variant type: single nucleotide variant.
Coding change: c.4740G>A on transcript NM_017617.5 (MANE Select); coding-DNA position 4740, G replaced by A.
Protein change: p.Met1580Ile; replaces methionine 1580 with isoleucine.
Molecular consequence: missense variant.
Genome position (GRCh38, 1-based): chr9:136,504,951, C>T on the plus strand (G>A on the coding strand, the complement: NOTCH1 is on the minus strand). VCF-style: chr9-136504951-C-T. GRCh37 (hg19) VCF-style: chr9-139399403-C-T.
Other names: short protein forms M1580I.
Identifiers: ClinVar variation 1418673 (VCV001418673.8), dbSNP rs990474354, ClinGen allele CA201643996.
Genomic context (GRCh38, chr9:136,504,951, plus strand): 5'-CAGCACGCGGCTGAGCTCCCGCAGGAAGTGGAAGGAGCTGTTGCGCAGCTGCTCCGGCGG[C>T]ATCAGCACCACCACCACCAGCGTGCCGGCCGCCAGCCTCTCGGGTACATGCTCCGCACAG-3'
Protein context (NP_060087.3, residues 1570-1590): AAGTLVVVVL[Met1580Ile]PPEQLRNSSF

ClinVar aggregate classification (germline): Uncertain significance (1 of 4 stars; one submission).

Conditions:
Adams-Oliver syndrome 5 (AOS5). Identifiers: Orphanet 974, MedGen C4014970, MONDO:0014459, OMIM 616028.

Allele frequency attached by ClinVar (database versions not stated): gnomAD exomes below 0.00001 and 0.00001; TOPMed 0.00001.

Submission:

Labcorp Genetics (formerly Invitae), Labcorp
Classification: Uncertain significance for Adams-Oliver syndrome 5. Last evaluated: 2022-10-29. Review status: criteria provided, single submitter. Criteria: Invitae Variant Classification Sherloc (09022015). Collection method: clinical testing. Allele origin: germline.
Comment: This sequence change replaces methionine, which is neutral and non-polar, with isoleucine, which is neutral and non-polar, at codon 1580 of the NOTCH1 protein (p.Met1580Ile). In summary, the available evidence is currently insufficient to determine the role of this variant in disease. Therefore, it has been classified as a Variant of Uncertain Significance. Advanced modeling of protein sequence and biophysical properties (such as structural, functional, and spatial information, amino acid conservation, physicochemical variation, residue mobility, and thermodynamic stability) performed at Invitae indicates that this missense variant is not expected to disrupt NOTCH1 protein function. ClinVar contains an entry for this variant (Variation ID: 1418673). This variant has not been reported in the literature in individuals affected with NOTCH1-related conditions. The frequency data for this variant in the population databases is considered unreliable, as metrics indicate poor data quality at this position in the gnomAD database.